The following is an entry in ClinVar:

NM_000218.3(KCNQ1):c.653A>C (p.Lys218Thr)

Gene: KCNQ1 (potassium voltage-gated channel subfamily Q member 1; plus strand). Cytogenetic location: 11p15.5.
Variant type: single nucleotide variant.
Coding change: c.653A>C on transcript NM_000218.3 (MANE Select); coding-DNA position 653, A replaced by C.
Protein change: p.Lys218Thr; replaces lysine 218 with threonine.
Molecular consequence: missense variant.
Genome position (GRCh38, 1-based): chr11:2,571,373, A>C. VCF-style: chr11-2571373-A-C. GRCh37 (hg19) VCF-style: chr11-2592603-A-C.
Other names: c.653A>C, p.Lys218Thr (NM_001406836.1); c.383A>C, p.Lys128Thr (NM_001406837.1); c.272A>C, p.Lys91Thr (NM_181798.2); short protein forms K218T, K91T, K128T.
Identifiers: ClinVar variation 925518 (VCV000925518.6), dbSNP rs1848331549, ClinGen allele CA379130596.

ClinVar aggregate classification (germline): Uncertain significance (1 of 4 stars; one submission).

Conditions:
Cardiac arrhythmia. Also called: Cardiac rhythm disease; Arrhythmia. Identifiers: MedGen C0003811, MONDO:0007263, HP:0011675.

Allele frequency attached by ClinVar (database versions not stated): gnomAD exomes below 0.00001.
gnomAD v4.1: 1 of 1,612,884 alleles (0.000062%); highest among the groups gnomAD compares: South Asian, 0.0011%; no homozygotes.

Submission:

Color Diagnostics, LLC DBA Color Health
Classification: Uncertain significance for Cardiac arrhythmia. Last evaluated: 2019-07-20. Review status: criteria provided, single submitter. Criteria: ACMG Guidelines, 2015. Collection method: clinical testing. Allele origin: germline.
Comment: This missense variant replaces lysine with threonine at codon 218 of the KCNQ1 protein. Computational prediction tools and conservation analyses are inconclusive regarding the impact of this variant on the protein function. Computational splicing tools suggest that this variant may not impact RNA splicing. To our knowledge, functional assays have not been performed for this variant nor has this variant been reported in individuals affected with cardiovascular disorders in the literature. This variant has not been identified in the general population by the Genome Aggregation Database (gnomAD). Available evidence is insufficient to determine the role of this variant in disease conclusively. Therefore, this variant is classified as a Variant of Uncertain Significance.